The following is an entry in ClinVar:

NM_001365276.2(TNXB):c.1740C>A (p.Tyr580Ter)

Gene: TNXB (tenascin XB; minus strand). Cytogenetic location: 6p21.33.
Variant type: single nucleotide variant.
Coding change: c.1740C>A on transcript NM_001365276.2 (MANE Select); coding-DNA position 1740, C replaced by A.
Protein change: p.Tyr580Ter; replaces tyrosine 580 with a stop codon.
Molecular consequence: nonsense.
Genome position (GRCh38, 1-based): chr6:32,096,113, G>T on the plus strand (C>A on the coding strand, the complement: TNXB is on the minus strand). VCF-style: chr6-32096113-G-T. GRCh37 (hg19) VCF-style: chr6-32063890-G-T.
Other names: c.1740C>A, p.Tyr580Ter (NM_001428335.1, NM_019105.8); short protein forms Y580*.
Identifiers: ClinVar variation 5013494 (VCV005013494.1).

ClinVar aggregate classification (germline): Pathogenic (1 of 4 stars; one submission).

Conditions:
Ehlers-Danlos syndrome due to tenascin-X deficiency (EDSCLL1). Also called: Ehlers-Danlos syndrome, classic-like, 1; EHLERS-DANLOS SYNDROME, CLASSIC-LIKE; TNXB-Related Classical-Like Ehlers-Danlos Syndrome; EDS DUE TO TNX DEFICIENCY; TNX DEFICIENCY. Identifiers: Orphanet 230839, MedGen C1848029, MONDO:0011670, OMIM 606408.

Submission:

Myriad Genetics, Inc.
Classification: Pathogenic for Ehlers-Danlos syndrome due to tenascin-X deficiency. Last evaluated: 2024-08-26. Review status: criteria provided, single submitter. Criteria: Myriad Autosomal Dominant, Autosomal Recessive and X-Linked Classification Criteria (2023). Collection method: clinical testing. Allele origin: unknown.
Comment: NM_019105.6(TNXB):c.1740C>A(Y580*) is expected to be pathogenic in the context of classical-like Ehlers-Danlos syndrome, TNXB-related. This variant is predicted to lead to an abnormal or absent protein product due to the creation of a premature termination codon in TNXB, a gene where loss-of-function variants are known to be pathogenic. Please note: this variant was assessed in the context of healthy population screening.